The following is an entry in ClinVar:

NM_004006.3(DMD):c.4483C>A (p.Gln1495Lys)

Gene: DMD (dystrophin; minus strand). Cytogenetic location: Xp21.1.
Variant type: single nucleotide variant.
Coding change: c.4483C>A on transcript NM_004006.3 (MANE Select); coding-DNA position 4483, C replaced by A.
Protein change: p.Gln1495Lys; replaces glutamine 1495 with lysine.
Molecular consequence: missense variant.
Genome position (GRCh38, 1-based): chrX:32,389,536, G>T on the plus strand (C>A on the coding strand, the complement: DMD is on the minus strand). VCF-style: chrX-32389536-G-T. GRCh37 (hg19) VCF-style: chrX-32407653-G-T.
Other names: c.4459C>A, p.Gln1487Lys (NM_000109.4); c.4471C>A, p.Gln1491Lys (NM_004009.3); c.4114C>A, p.Gln1372Lys (NM_004010.3); c.460C>A, p.Gln154Lys (NM_004011.4); c.451C>A, p.Gln151Lys (NM_004012.4); short protein forms Q1495K, Q151K, Q1372K, Q1487K, Q1491K, Q154K.
Identifiers: ClinVar variation 3689503 (VCV003689503.2).
Genomic context (GRCh38, chrX:32,389,536, plus strand): 5'-CGTATTTGCCACCAGAAATACATACCACACAATGATTTAGCTGTGACTGTACTACTTCCT[G>T]TTCCACACTCTTTGTTTCCAATGCAGGCAAGTGCATCTTCACTTCATCTAAAATCATCTT-3'
Protein context (NP_003997.2, residues 1485-1505): LPALETKSVE[Gln1495Lys]EVVQSQLNHC

ClinVar aggregate classification (germline): Uncertain significance (1 of 4 stars; one submission).

Conditions:
Duchenne muscular dystrophy (DMD). Also called: MUSCULAR DYSTROPHY, PSEUDOHYPERTROPHIC PROGRESSIVE, DUCHENNE TYPE; Duchenne Muscular Dystrophy (DMD). Identifiers: Orphanet 98896, MedGen C0013264, MONDO:0010679, OMIM 310200.

gnomAD v4.1: 3 of 1,211,172 alleles (0.00025%); highest among the groups gnomAD compares: Non-Finnish European, 0.00034%; no homozygotes.

Submission:

Labcorp Genetics (formerly Invitae), Labcorp
Classification: Uncertain significance for Duchenne muscular dystrophy. Last evaluated: 2025-01-07. Review status: criteria provided, single submitter. Criteria: Invitae Variant Classification Sherloc (09022015). Collection method: clinical testing. Allele origin: germline.
Comment: This sequence change replaces glutamine, which is neutral and polar, with lysine, which is basic and polar, at codon 1495 of the DMD protein (p.Gln1495Lys). The frequency data for this variant in the population databases is considered unreliable, as metrics indicate poor data quality at this position in the gnomAD database. This variant has not been reported in the literature in individuals affected with DMD-related conditions. Invitae Evidence Modeling of protein sequence and biophysical properties (such as structural, functional, and spatial information, amino acid conservation, physicochemical variation, residue mobility, and thermodynamic stability) indicates that this missense variant is not expected to disrupt DMD protein function with a negative predictive value of 95%. In summary, the available evidence is currently insufficient to determine the role of this variant in disease. Therefore, it has been classified as a Variant of Uncertain Significance.